The following is an entry in ClinVar:

ClinVar aggregate classification (germline): Conflicting classifications of pathogenicity. Review status: criteria provided, conflicting classifications (1 of 4 stars). 8 submissions from 8 submitters: Uncertain significance (7); Likely benign (1). Last evaluated 2026-05-05.

Conditions:
Familial medullary thyroid carcinoma (MTC). Also called: Familial Medullary Thyroid Carcinoma (FMTC); Thyroid cancer, familial medullary; MTC, familial. Identifiers: Orphanet 653, Orphanet 99361, MedGen C1833921, MONDO:0007958, OMIM 155240.
Pheochromocytoma. Also called: MAX-Related Hereditary Paraganglioma-Pheochromocytoma Syndrome. Identifiers: Orphanet 29072, MedGen C0031511, MONDO:0008233, OMIM 171300, HP:0002666.
Multiple endocrine neoplasia type 2A. Also called: Multiple Endocrine Neoplasia Type 2A (MEN2A); MULTIPLE ENDOCRINE NEOPLASIA, TYPE IIA; PTC SYNDROME; SIPPLE SYNDROME; MEN 2A; MEN-2A syndrome. Identifiers: Orphanet 247698, Orphanet 653, MedGen C0025268, MeSH D018813, MONDO:0008234, OMIM 171400.
Hirschsprung disease, susceptibility to, 1 (HSCR1). Also called: RET-Related Hirschsprung Disease. Identifiers: Orphanet 388, MedGen C3888239, MONDO:0007723, OMIM 142623.
Multiple endocrine neoplasia type 2B. Also called: WAGENMANN-FROBOESE SYNDROME; MULTIPLE ENDOCRINE NEOPLASIA, TYPE III; MUCOSAL NEUROMA SYNDROME; Multiple Endocrine Neoplasia Type 2B (MEN2B); Multiple endocrine neoplasia, type 3; MULTIPLE ENDOCRINE NEOPLASIA, TYPE IIB. Identifiers: Orphanet 247709, Orphanet 653, MedGen C0025269, MeSH D018814, MONDO:0008082, OMIM 162300.
Multiple endocrine neoplasia, type 2 (MEN2). Identifiers: Orphanet 653, MedGen C4048306, MONDO:0019003. Disease mechanism: gain of function.
Hereditary cancer-predisposing syndrome. Also called: Hereditary Cancer Syndrome; Hereditary neoplastic syndrome; Tumor predisposition; Neoplastic Syndromes, Hereditary. Identifiers: Orphanet 140162, MedGen C0027672, MeSH D009386, MONDO:0015356.

Allele frequency attached by ClinVar (database versions not stated): ExAC 0.00001; gnomAD 0.00001; gnomAD exomes 0.00001 and 0.00003; TOPMed 0.00002; ESP Exome Variant Server 0.00008.

Submissions (8):

Ambry Genetics
Classification: Likely benign for Hereditary cancer-predisposing syndrome. Last evaluated: 2026-05-05. Review status: criteria provided, single submitter. Criteria: Ambry Variant Classification Scheme 2023. Collection method: clinical testing. Allele origin: germline.

Labcorp Genetics (formerly Invitae), Labcorp
Classification: Uncertain significance for Multiple endocrine neoplasia, type 2. Last evaluated: 2026-01-21. Review status: criteria provided, single submitter. Criteria: Invitae Variant Classification Sherloc (09022015). Collection method: clinical testing. Allele origin: germline.
Comment: This sequence change replaces alanine, which is neutral and non-polar, with valine, which is neutral and non-polar, at codon 498 of the RET protein (p.Ala498Val). This variant is present in population databases (rs375677628, gnomAD 0.002%). This variant has not been reported in the literature in individuals affected with RET-related conditions. ClinVar contains an entry for this variant (Variation ID: 486306). An algorithm developed to predict the effect of missense changes on protein structure and function outputs the following: PolyPhen-2: "Benign". The valine amino acid residue is found in multiple mammalian species, which suggests that this missense change does not adversely affect protein function. In summary, the available evidence is currently insufficient to determine the role of this variant in disease. Therefore, it has been classified as a Variant of Uncertain Significance.

Color Diagnostics, LLC DBA Color Health
Classification: Uncertain significance for Multiple endocrine neoplasia, type 2. Last evaluated: 2025-05-20. Review status: criteria provided, single submitter. Criteria: ACMG Guidelines, 2015. Collection method: clinical testing. Allele origin: germline.
Comment: This missense variant replaces alanine with valine at codon 498 of the RET protein. Computational prediction suggests that this variant may not impact protein structure and function. To our knowledge, functional studies have not been reported for this variant. This variant has not been reported in individuals affected with RET-related hereditary cancer in the literature. This variant has been identified in 2/249816 chromosomes in the general population by the Genome Aggregation Database (gnomAD). The available evidence is insufficient to determine the role of this variant in disease conclusively. Therefore, this variant is classified as a Variant of Uncertain Significance.

GeneDx
Classification: Uncertain significance. Last evaluated: 2024-08-07. Review status: criteria provided, single submitter. Criteria: GeneDx Variant Classification Process June 2021. Collection method: clinical testing. Allele origin: germline. Affected: yes.
Comment: Not observed at significant frequency in large population cohorts (gnomAD); In silico analysis indicates that this missense variant does not alter protein structure/function; Has not been previously published as pathogenic or benign to our knowledge; This variant is associated with the following publications: (PMID: 14633923)

Fulgent Genetics
Classification: Uncertain significance for Hirschsprung disease, susceptibility to, 1; Familial medullary thyroid carcinoma; Multiple endocrine neoplasia type 2B; Pheochromocytoma; Multiple endocrine neoplasia type 2A. Last evaluated: 2024-01-03. Review status: criteria provided, single submitter. Criteria: ACMG Guidelines, 2015. Collection method: clinical testing. Allele origin: germline.

Baylor Genetics
Classification: Uncertain significance for Hirschsprung disease, susceptibility to, 1. Last evaluated: 2023-11-27. Review status: criteria provided, single submitter. Criteria: ACMG Guidelines, 2015. Collection method: clinical testing. Allele origin: unknown.

All of Us Research Program, National Institutes of Health
Classification: Uncertain significance for Multiple endocrine neoplasia, type 2. Last evaluated: 2023-11-20. Review status: criteria provided, single submitter. Criteria: ACMG Guidelines, 2015. Collection method: clinical testing. Allele origin: germline. Inheritance: Autosomal dominant inheritance. Observed: 6 variant alleles, 6 heterozygotes.
Comment: This missense variant replaces alanine with valine at codon 498 of the RET protein. Computational prediction suggests that this variant may not impact protein structure and function (internally defined REVEL score threshold <= 0.5, PMID: 27666373). To our knowledge, functional studies have not been reported for this variant. This variant has not been reported in individuals affected with RET-related hereditary cancer in the literature. This variant has been identified in 2/249816 chromosomes in the general population by the Genome Aggregation Database (gnomAD). The available evidence is insufficient to determine the role of this variant in disease conclusively. Therefore, this variant is classified as a Variant of Uncertain Significance.

This study involves interpretation of variants in research participants for the purpose of population health screening. Participant phenotype was not available at the time of variant classification. Additional details can be found in publication PMID: 35346344, PMCID: PMC8962531

St. Jude Molecular Pathology, St. Jude Children's Research Hospital
Classification: Uncertain significance for Multiple endocrine neoplasia type 2A. Last evaluated: 2023-05-31. Review status: criteria provided, single submitter. Criteria: St. Jude Assertion Criteria 2020. Collection method: clinical testing. Allele origin: germline.
Comment: The RET c.1493C>T (p.Ala498Val) missense change has a maximum subpopulation frequency of 0.0017% in gnomAD v2.1.1. The in silico tool REVEL predicts a benign effect on protein function, but to our knowledge this prediction has not been confirmed by functional studies. To our knowledge, this variant has not been reported in the literature in individuals with multiple endocrine neoplasia type II. In summary, the evidence currently available is insufficient to determine the clinical significance of this variant. It has therefore been classified as of uncertain significance.

NM_020975.6(RET):c.1493C>T (p.Ala498Val)

Gene: RET (ret proto-oncogene; plus strand). Cytogenetic location: 10q11.21.
Variant type: single nucleotide variant.
Coding change: c.1493C>T on transcript NM_020975.6 (MANE Select); coding-DNA position 1493, C replaced by T.
Protein change: p.Ala498Val; replaces alanine 498 with valine.
Molecular consequence: missense variant.
Genome position (GRCh38, 1-based): chr10:43,111,436, C>T. VCF-style: chr10-43111436-C-T. GRCh37 (hg19) VCF-style: chr10-43606884-C-T.
Other names: c.1493C>T, p.Ala498Val (NM_000323.2, NM_001406743.1, NM_001406744.1 and 6 more transcripts); c.731C>T, p.Ala244Val (NM_001355216.2); c.1364C>T, p.Ala455Val (NM_001406761.1, NM_001406762.1, NM_001406764.1 and 1 more transcripts); c.1205C>T, p.Ala402Val (NM_001406766.1, NM_001406767.1, NM_001406770.1); c.1097C>T, p.Ala366Val (NM_001406769.1, NM_001406772.1); c.1055C>T, p.Ala352Val (NM_001406771.1, NM_001406773.1); c.968C>T, p.Ala323Val (NM_001406774.1); c.767C>T, p.Ala256Val (NM_001406775.1, NM_001406776.1, NM_001406777.1 and 1 more transcripts); and 2 more; short protein forms A498V, A244V, A168V, A256V, A323V, A402V, A366V, A352V.
Identifiers: ClinVar variation 486306 (VCV000486306.25), dbSNP rs375677628, ClinGen allele CA033877.